The following is an entry in ClinVar:

NM_001382391.1(CSPP1):c.303+5T>C

Gene: CSPP1 (centrosome and spindle pole associated protein 1; plus strand). Cytogenetic location: 8q13.1.
Variant type: single nucleotide variant.
Coding change: c.303+5T>C on transcript NM_001382391.1 (MANE Select); 5 bases into the intron after coding-DNA position 303, T replaced by C.
Molecular consequence: intron variant.
Genome position (GRCh38, 1-based): chr8:67,086,115, T>C. VCF-style: chr8-67086115-T-C. GRCh37 (hg19) VCF-style: chr8-67998350-T-C.
Other names: c.303+5T>C (NM_001363132.2, NM_001363131.2, NM_001363133.2); c.411+5T>C (NM_001364869.1, NM_024790.7, NM_001438331.1 and 3 more transcripts); c.-472+5T>C (NM_001291339.2).
Identifiers: ClinVar variation 1371397 (VCV001371397.6), dbSNP rs1332818013, ClinGen allele CA582511346.

ClinVar aggregate classification (germline): Uncertain significance (1 of 4 stars; one submission).

Conditions:
Joubert syndrome 21 (JBTS21). Identifiers: MedGen C3810212, MONDO:0014288, OMIM 615636.

Allele frequency attached by ClinVar (database versions not stated): gnomAD exomes below 0.00001.
gnomAD v4.1: 7 of 1,189,988 alleles (0.00059%); highest among the groups gnomAD compares: Non-Finnish European, 0.00088%; no homozygotes.

Submission:

Labcorp Genetics (formerly Invitae), Labcorp
Classification: Uncertain significance for Joubert syndrome 21. Last evaluated: 2022-06-22. Review status: criteria provided, single submitter. Criteria: Invitae Variant Classification Sherloc (09022015). Collection method: clinical testing. Allele origin: germline.
Comment: In summary, the available evidence is currently insufficient to determine the role of this variant in disease. Therefore, it has been classified as a Variant of Uncertain Significance. Variants that disrupt the consensus splice site are a relatively common cause of aberrant splicing (PMID: 17576681, 9536098). Algorithms developed to predict the effect of sequence changes on RNA splicing suggest that this variant is not likely to affect RNA splicing. This variant has not been reported in the literature in individuals affected with CSPP1-related conditions. This variant is present in population databases (no rsID available, gnomAD 0.0009%). This sequence change falls in intron 4 of the CSPP1 gene. It does not directly change the encoded amino acid sequence of the CSPP1 protein. It affects a nucleotide within the consensus splice site.

Literature cited by the submitters: PubMed 17576681; PubMed 9536098.